The following is an entry in ClinVar:

ClinVar aggregate classification (germline): Likely benign (1 of 4 stars; one submission).

Conditions:
Amyotrophic lateral sclerosis (ALS). Also called: Lou Gehrig disease; Charcot disease. Identifiers: Orphanet 803, MedGen C0002736, MONDO:0004976, HP:0007354.

Submission:

Department of Neurology, Brain Research Institute, Niigata University
Classification: Likely benign for Amyotrophic lateral sclerosis. Last evaluated: 2026-09-21. Review status: criteria provided, single submitter. Criteria: ACMG Guidelines, 2015. Collection method: research. Allele origin: unknown. Affected: yes.
Comment: This variant was absent from controls, including ExAC and gnomAD (PM2_Supporting). REVEL score of this variant is 0.098 (BP4_Moderate).

NM_001003722.2(GLE1):c.415C>T (p.His139Tyr)

Gene: GLE1 (GLE1 RNA export mediator; plus strand). Cytogenetic location: 9q34.11.
Variant type: single nucleotide variant.
Coding change: c.415C>T on transcript NM_001003722.2 (MANE Select); coding-DNA position 415, C replaced by T.
Protein change: p.His139Tyr; replaces histidine 139 with tyrosine.
Molecular consequence: missense variant.
Genome position (GRCh38, 1-based): chr9:128,515,622, C>T. VCF-style: chr9-128515622-C-T. GRCh37 (hg19) VCF-style: chr9-131277901-C-T.
Other names: c.415C>T, p.His139Tyr (NM_001411013.1, NM_001499.2); short protein forms H139Y.
Identifiers: ClinVar variation 4820032 (VCV004820032.2).